The following is an entry in ClinVar:

NM_001326411.2(PISD):c.698-2A>G

Gene: PISD (phosphatidylserine decarboxylase; minus strand). Cytogenetic location: 22q12.2.
Variant type: single nucleotide variant.
Coding change: c.698-2A>G on transcript NM_001326411.2 (MANE Select); the canonical splice acceptor site of the intron before coding-DNA position 698, A replaced by G.
Molecular consequence: splice acceptor variant.
Genome position (GRCh38, 1-based): chr22:31,621,144, T>C on the plus strand (A>G on the coding strand, the complement: PISD is on the minus strand). VCF-style: chr22-31621144-T-C. GRCh37 (hg19) VCF-style: chr22-32017130-T-C.
Other names: c.635-2A>G (NM_001326412.1, NM_001326413.2, NM_001326414.2); c.698-2A>G (NM_001326421.1); c.518-2A>G (NM_001326420.2, NM_001326418.2); c.596-2A>G (NM_001326415.2, NM_001326419.2, NM_001326417.2 and 3 more transcripts).
Identifiers: ClinVar variation 2700183 (VCV002700183.3), dbSNP rs1413843105, ClinGen allele CA411286892.

ClinVar aggregate classification (germline): Likely pathogenic (1 of 4 stars; one submission).

Submission:

Labcorp Genetics (formerly Invitae), Labcorp
Classification: Likely pathogenic. Last evaluated: 2024-08-13. Review status: criteria provided, single submitter. Criteria: Invitae Variant Classification Sherloc (09022015). Collection method: clinical testing. Allele origin: germline.
Comment: This sequence change affects an acceptor splice site in intron 5 of the PISD gene. It is expected to disrupt RNA splicing. Variants that disrupt the donor or acceptor splice site typically lead to a loss of protein function (PMID: 16199547), and loss-of-function variants in PISD are known to be pathogenic (PMID: 30488656, 30858161). This variant is present in population databases (no rsID available, gnomAD 0.0009%). This variant has not been reported in the literature in individuals affected with PISD-related conditions. Algorithms developed to predict the effect of sequence changes on RNA splicing suggest that this variant may disrupt the consensus splice site. In summary, the currently available evidence indicates that the variant is pathogenic, but additional data are needed to prove that conclusively. Therefore, this variant has been classified as Likely Pathogenic.

Literature cited by the submitters: PubMed 16199547; PubMed 30488656; PubMed 30858161.